The following is an entry in ClinVar:

ClinVar aggregate classification (germline): Uncertain significance. Review status: criteria provided, multiple submitters, no conflicts (2 of 4 stars). 2 submissions from 2 submitters: Uncertain significance (2). Last evaluated 2025-12-23.

Conditions:
X-linked myopathy with postural muscle atrophy. Also called: FHL1-Related Emery-Dreifuss Muscular Dystrophy, X-Linked. Identifiers: Orphanet 178461, MedGen C2678055, MONDO:0010401, OMIM 300696.

Allele frequency attached by ClinVar (database versions not stated): TOPMed below 0.00001; gnomAD 0.00001; gnomAD exomes 0.00001.
gnomAD v4.1: 13 of 1,211,430 alleles (0.0011%); highest among the groups gnomAD compares: Non-Finnish European, 0.0015%; no homozygotes.

Submissions (2):

Labcorp Genetics (formerly Invitae), Labcorp
Classification: Uncertain significance for X-linked myopathy with postural muscle atrophy. Last evaluated: 2025-12-23. Review status: criteria provided, single submitter. Criteria: Invitae Variant Classification Sherloc (09022015). Collection method: clinical testing. Allele origin: germline.
Comment: This sequence change replaces lysine, which is basic and polar, with arginine, which is basic and polar, at codon 30 of the FHL1 protein (p.Lys30Arg). This variant is present in population databases (no rsID available, gnomAD 0.001%). This variant has not been reported in the literature in individuals affected with FHL1-related conditions. ClinVar contains an entry for this variant (Variation ID: 862874). An algorithm developed to predict the effect of missense changes on protein structure and function outputs the following: PolyPhen-2: "Benign". The arginine amino acid residue is found in multiple mammalian species, which suggests that this missense change does not adversely affect protein function. In summary, the available evidence is currently insufficient to determine the role of this variant in disease. Therefore, it has been classified as a Variant of Uncertain Significance.

GeneDx
Classification: Uncertain significance. Last evaluated: 2023-10-23. Review status: criteria provided, single submitter. Criteria: GeneDx Variant Classification Process June 2021. Collection method: clinical testing. Allele origin: germline. Affected: yes.
Comment: Not observed at significant frequency in large population cohorts (gnomAD); In silico analysis supports that this missense variant does not alter protein structure/function; Has not been previously published as pathogenic or benign to our knowledge

NM_001159699.2(FHL1):c.137A>G (p.Lys46Arg)

Gene: FHL1 (four and a half LIM domains 1; plus strand). Cytogenetic location: Xq26.3.
Variant type: single nucleotide variant.
Coding change: c.137A>G on transcript NM_001159699.2 (MANE Select); coding-DNA position 137, A replaced by G.
Protein change: p.Lys46Arg; replaces lysine 46 with arginine.
Molecular consequence: missense variant. On other transcripts: non-coding transcript variant (1).
Genome position (GRCh38, 1-based): chrX:136,206,521, A>G. VCF-style: chrX-136206521-A-G. GRCh37 (hg19) VCF-style: chrX-135288680-A-G.
Other names: c.89A>G, p.Lys30Arg (NM_001159700.2, NM_001159702.3, NM_001159703.2 and 9 more transcripts); c.176A>G, p.Lys59Arg (NM_001159701.2); c.137A>G, p.Lys46Arg (NM_001330659.2); short protein forms K30R, K46R, K59R.
Identifiers: ClinVar variation 862874 (VCV000862874.10), dbSNP rs1226091388, ClinGen allele CA414607707.
Genomic context (GRCh38, chrX:136,206,521, plus strand): 5'-GCAGGGATCCCTTGCAGGGGAAGAAGTATGTGCAAAAGGATGGCCACCACTGCTGCCTGA[A>G]ATGCTTTGACAAGTTCTGTGCCAACACCTGTGTGGAATGCCGCAAGCCCATCGGTGCGGA-3'
Protein context (NP_001153171.1, residues 36-56): VQKDGHHCCL[Lys46Arg]CFDKFCANTC